The following is an entry in ClinVar:

NM_001029896.2(WDR45):c.183C>A (p.Asn61Lys)

Genes: WDR45 (WD repeat domain 45; minus strand), LOC126863256 (BRD4-independent group 4 enhancer GRCh37_chrX:48934848-48936047; plus strand). Cytogenetic location: Xp11.23.
Variant type: single nucleotide variant.
Coding change: c.183C>A on transcript NM_001029896.2 (MANE Select); coding-DNA position 183, C replaced by A.
Protein change: p.Asn61Lys; replaces asparagine 61 with lysine.
Molecular consequence: missense variant.
Genome position (GRCh38, 1-based): chrX:49,077,695, G>T on the plus strand (C>A on the coding strand, the complement: WDR45 is on the minus strand). VCF-style: chrX-49077695-G-T. GRCh37 (hg19) VCF-style: chrX-48935354-G-T.
Other names: c.183C>A, p.Asn61Lys (NM_007075.4); short protein forms N61K.
Identifiers: ClinVar variation 848898 (VCV000848898.56), dbSNP rs2065045729, ClinGen allele CA412949149.

ClinVar aggregate classification (germline): Pathogenic/Likely pathogenic. Review status: criteria provided, multiple submitters, no conflicts (2 of 4 stars). 5 submissions from 5 submitters: Pathogenic (3); Likely pathogenic (2). Last evaluated 2025-08-21.

Conditions:
Neurodegeneration with brain iron accumulation 5 (NBIA5). Also called: STATIC ENCEPHALOPATHY OF CHILDHOOD WITH NEURODEGENERATION IN ADULTHOOD; Beta-propeller protein-associated neurodegeneration. Identifiers: Orphanet 329284, MedGen C3550973, MONDO:0010476, OMIM 300894.
Inborn genetic diseases. Identifiers: MedGen C0950123, MeSH D030342.

Submissions (5):

Labcorp Genetics (formerly Invitae), Labcorp
Classification: Likely pathogenic for Neurodegeneration with brain iron accumulation 5. Last evaluated: 2025-08-21. Review status: criteria provided, single submitter. Criteria: Invitae Variant Classification Sherloc (09022015). Collection method: clinical testing. Allele origin: germline.
Comment: This sequence change replaces asparagine, which is neutral and polar, with lysine, which is basic and polar, at codon 61 of the WDR45 protein (p.Asn61Lys). This variant is not present in population databases (gnomAD no frequency). This missense change has been observed in individual(s) with neurodegeneration with brain iron accumulation (PMID: 23176820, 23687123, 36076926). In at least one individual the variant was observed to be de novo. ClinVar contains an entry for this variant (Variation ID: 848898). Invitae Evidence Modeling of protein sequence and biophysical properties (such as structural, functional, and spatial information, amino acid conservation, physicochemical variation, residue mobility, and thermodynamic stability) indicates that this missense variant is expected to disrupt WDR45 protein function with a positive predictive value of 80%. Experimental studies have shown that this missense change affects WDR45 function (PMID: 34368840). In summary, the currently available evidence indicates that the variant is pathogenic, but additional data are needed to prove that conclusively. Therefore, this variant has been classified as Likely Pathogenic.

Pediatrics, MediClubGeorgia
Classification: Pathogenic for Neurodegeneration with brain iron accumulation 5. Last evaluated: 2020-10-31. Review status: criteria provided, single submitter. Criteria: ACMG Guidelines, 2015. Collection method: clinical testing. Allele origin: de novo. Inheritance: X-linked dominant inheritance. Affected: yes. Observed: 1 heterozygote.
Comment: This variant is absent in population databases. This variant has been described in the literature in patient with neurodegeneration with brain ironaccumulation (PMID: 23176820, 23687123).It is also submitted in ClinVar with a conflicting interpretations of pathogenicityâ€‹ Pathogenic; Uncertain significance. Parents were also tested and this variant was not detected. Algorithms developed to predict the effect of missense variants showed: Sift- Deleterious, PolyPhen2-HDIV- damaging, PolyPhen2-HVAR-damaging, MutationAssessor- High, MutationTaster- Damaging, Provean - Damaging. The asparagine residue is highly conserved.

Ambry Genetics
Classification: Likely pathogenic for Inborn genetic diseases. Last evaluated: 2018-05-23. Review status: criteria provided, single submitter. Criteria: Ambry Variant Classification Scheme 2023. Collection method: clinical testing. Allele origin: germline.
Comment: The p.N61K variant (also known as c.183C>A), located in coding exon 3 of the WDR45 gene, results from a C to A substitution at nucleotide position 183. The asparagine at codon 61 is replaced by lysine, an amino acid with similar properties. This variant has been determined to be the result of a de novo mutation or germline mosaicism in one family with an isolated case of WDR45-related neurological disorder (Ambry internal data). This alteration was reported in the literature as a de novo occurrence in an individual with neurodegeneration with brain iron accumulation (Haack TB et al. Am. J. Hum. Genet., 2012 Dec;91:1144-9; Hayflick SJ et al. Brain, 2013 Jun;136:1708-17). This amino acid position is highly conserved in available vertebrate species. In addition, the in silico prediction for this alteration is inconclusive. Based on the majority of available evidence to date, this variant is likely to be pathogenic.

CeGaT Center for Human Genetics Tuebingen
Classification: Pathogenic. Last evaluated: 2017-04-01. Review status: criteria provided, single submitter. Criteria: CeGaT Center For Human Genetics Tuebingen Variant Classification Criteria Version 2. Collection method: clinical testing. Allele origin: germline. Affected: yes. Observed: 1 variant allele.

Baylor Genetics
Classification: Pathogenic for Neurodegeneration with brain iron accumulation 5. Review status: criteria provided, single submitter. Criteria: ACMG Guidelines, 2015. Collection method: clinical testing. Allele origin: unknown.

Literature cited by the submitters: PubMed 23176820 (cited by Labcorp Genetics (formerly Invitae), Labcorp and Ambry Genetics); PubMed 23687123 (cited by Labcorp Genetics (formerly Invitae), Labcorp and Ambry Genetics); PubMed 36076926 (cited by Labcorp Genetics (formerly Invitae), Labcorp); PubMed 34368840 (cited by Labcorp Genetics (formerly Invitae), Labcorp).